The following is an entry in ClinVar:

ClinVar aggregate classification (germline): Uncertain significance. Review status: criteria provided, multiple submitters, no conflicts (2 of 4 stars). 2 submissions from 2 submitters: Uncertain significance (2). Last evaluated 2025-10-22.

Conditions:
Progressive familial heart block type IB (PFHB1B). Identifiers: Orphanet 871, MedGen C1970298, MONDO:0011474, OMIM 604559.
Cardiovascular phenotype. Identifiers: MedGen CN230736.

Allele frequency attached by ClinVar (database versions not stated): TOPMed below 0.00001; gnomAD 0.00001; ESP Exome Variant Server 0.00008.
gnomAD v4.1: 1 of 1,613,640 alleles (0.000062%); highest among the groups gnomAD compares: African/African-American, 0.0013%; no homozygotes.

Submissions (2):

Labcorp Genetics (formerly Invitae), Labcorp
Classification: Uncertain significance for Progressive familial heart block type IB. Last evaluated: 2025-10-22. Review status: criteria provided, single submitter. Criteria: Invitae Variant Classification Sherloc (09022015). Collection method: clinical testing. Allele origin: germline.
Comment: This sequence change replaces proline, which is neutral and non-polar, with leucine, which is neutral and non-polar, at codon 224 of the TRPM4 protein (p.Pro224Leu). This variant is not present in population databases (gnomAD no frequency). This variant has not been reported in the literature in individuals affected with TRPM4-related conditions. ClinVar contains an entry for this variant (Variation ID: 1755084). An algorithm developed to predict the effect of missense changes on protein structure and function (PolyPhen-2) suggests that this variant is likely to be tolerated. In summary, the available evidence is currently insufficient to determine the role of this variant in disease. Therefore, it has been classified as a Variant of Uncertain Significance.

Ambry Genetics
Classification: Uncertain significance for Cardiovascular phenotype. Last evaluated: 2024-04-20. Review status: criteria provided, single submitter. Criteria: Ambry Variant Classification Scheme 2023. Collection method: clinical testing. Allele origin: germline.
Comment: The p.P224L variant (also known as c.671C>T), located in coding exon 6 of the TRPM4 gene, results from a C to T substitution at nucleotide position 671. The proline at codon 224 is replaced by leucine, an amino acid with similar properties. This amino acid position is not well conserved in available vertebrate species. In addition, this alteration is predicted to be tolerated by in silico analysis. Since supporting evidence is limited at this time, the clinical significance of this alteration remains unclear.

NM_017636.4(TRPM4):c.671C>T (p.Pro224Leu)

Gene: TRPM4 (transient receptor potential cation channel subfamily M member 4; plus strand). Cytogenetic location: 19q13.33.
Variant type: single nucleotide variant.
Coding change: c.671C>T on transcript NM_017636.4 (MANE Select); coding-DNA position 671, C replaced by T.
Protein change: p.Pro224Leu; replaces proline 224 with leucine.
Molecular consequence: missense variant. On other transcripts: 5 prime UTR variant (2).
Genome position (GRCh38, 1-based): chr19:49,168,611, C>T. VCF-style: chr19-49168611-C-T. GRCh37 (hg19) VCF-style: chr19-49671868-C-T.
Other names: c.671C>T, p.Pro224Leu (NM_001195227.2); c.326C>T, p.Pro109Leu (NM_001321281.2); c.-883C>T (NM_001321282.2); c.149C>T, p.Pro50Leu (NM_001321283.2); c.-179C>T (NM_001321285.2); short protein forms P109L, P50L, P224L.
Identifiers: ClinVar variation 1755084 (VCV001755084.4), dbSNP rs148499675, ClinGen allele CA309431528.